The following is an entry in ClinVar:

ClinVar aggregate classification (germline): Uncertain significance (1 of 4 stars; one submission).

Submission:

GeneDx
Classification: Uncertain significance. Last evaluated: 2024-03-10. Review status: criteria provided, single submitter. Criteria: GeneDx Variant Classification Process June 2021. Collection method: clinical testing. Allele origin: germline. Affected: yes.
Comment: Not observed at significant frequency in large population cohorts (gnomAD); In silico analysis supports that this missense variant does not alter protein structure/function; Has not been previously published as pathogenic or benign to our knowledge

NM_017617.5(NOTCH1):c.4126G>A (p.Gly1376Ser)

Gene: NOTCH1 (notch receptor 1; minus strand). Cytogenetic location: 9q34.3.
Variant type: single nucleotide variant.
Coding change: c.4126G>A on transcript NM_017617.5 (MANE Select); coding-DNA position 4126, G replaced by A.
Protein change: p.Gly1376Ser; replaces glycine 1376 with serine.
Molecular consequence: missense variant.
Genome position (GRCh38, 1-based): chr9:136,505,770, C>T on the plus strand (G>A on the coding strand, the complement: NOTCH1 is on the minus strand). VCF-style: chr9-136505770-C-T. GRCh37 (hg19) VCF-style: chr9-139400222-C-T.
Other names: short protein forms G1376S.
Identifiers: ClinVar variation 3370773 (VCV003370773.1).
Genomic context (GRCh38, chr9:136,505,770, plus strand): 5'-GGTTGCCGCCCAGGCAGGGGCTGCTGGCCGGGAACTGGCATTCGGGGCCCGTGAAGGGGC[C>T]CAGGCACAGGCAGGTGGGGCTGCGCGGGCCGGAGATGCATGTGCCGCCGTTGAGGCAGCG-3'
Protein context (NP_060087.3, residues 1366-1386): GPRSPTCLCL[Gly1376Ser]PFTGPECQFP